The following is an entry in ClinVar:

NM_205861.3(DHDDS):c.698C>G (p.Pro233Arg)

Gene: DHDDS (dehydrodolichyl diphosphate synthase subunit; plus strand). Cytogenetic location: 1p36.11.
Variant type: single nucleotide variant.
Coding change: c.698C>G on transcript NM_205861.3 (MANE Select); coding-DNA position 698, C replaced by G.
Protein change: p.Pro233Arg; replaces proline 233 with arginine.
Molecular consequence: missense variant.
Genome position (GRCh38, 1-based): chr1:26,460,077, C>G. VCF-style: chr1-26460077-C-G. GRCh37 (hg19) VCF-style: chr1-26786568-C-G.
Other names: c.698C>G (NM_024887.3); c.596C>G, p.Pro199Arg (NM_001243564.2); c.581C>G, p.Pro194Arg (NM_001243565.2); c.419C>G, p.Pro140Arg (NM_001319959.2); c.698C>G, p.Pro233Arg (NM_024887.4); short protein forms P140R, P194R, P199R, P233R.
Identifiers: ClinVar variation 2664983 (VCV002664983.6), dbSNP rs2524708025, ClinGen allele CA339145149.
Genomic context (GRCh38, chr1:26,460,077, plus strand): 5'-CTCCTCCCTACCTTTCCCAGACCTCTCACTCCTGCCTGGTGTTCCAACCCGTTCTGTGGC[C>G]AGAGTATACATTTTGGAACCTCTTCGAGGCCATCCTGCAGTTCCAGATGAACCATAGCGT-3'
Protein context (NP_995583.1, residues 223-243): SCLVFQPVLW[Pro233Arg]EYTFWNLFEA

ClinVar aggregate classification (germline): Pathogenic/Likely pathogenic. Review status: criteria provided, multiple submitters, no conflicts (2 of 4 stars). 3 submissions from 3 submitters: Pathogenic (2); Likely pathogenic (1). Last evaluated 2026-02-27.

Conditions:
Retinitis pigmentosa 59 (RP59). Identifiers: Orphanet 791, MedGen C3151227, MONDO:0013468, OMIM 613861.
Developmental delay and seizures with or without movement abnormalities. Identifiers: MedGen C4693376, MONDO:0044326, OMIM 617836.

Submissions (3):

GeneDx
Classification: Likely pathogenic. Last evaluated: 2026-02-27. Review status: criteria provided, single submitter. Criteria: GeneDx Variant Classification Process June 2021. Collection method: clinical testing. Allele origin: germline.
Comment: Not observed at significant frequency in large population cohorts (gnomAD); In silico analysis supports that this missense variant has a deleterious effect on protein structure/function; This variant is associated with the following publications: (PMID: 33057194, 35982159, 34382076)

Labcorp Genetics (formerly Invitae), Labcorp
Classification: Pathogenic for Retinitis pigmentosa 59. Last evaluated: 2024-01-27. Review status: criteria provided, single submitter. Criteria: Invitae Variant Classification Sherloc (09022015). Collection method: clinical testing. Allele origin: germline.
Comment: This sequence change replaces proline, which is neutral and non-polar, with arginine, which is basic and polar, at codon 233 of the DHDDS protein (p.Pro233Arg). This variant is not present in population databases (gnomAD no frequency). This missense change has been observed in individual(s) with DHDDS-related conditions (PMID: 34382076). In at least one individual the variant was observed to be de novo. ClinVar contains an entry for this variant (Variation ID: 2664983). Advanced modeling of protein sequence and biophysical properties (such as structural, functional, and spatial information, amino acid conservation, physicochemical variation, residue mobility, and thermodynamic stability) performed at Invitae indicates that this missense variant is expected to disrupt DHDDS protein function with a positive predictive value of 80%. Experimental studies have shown that this missense change affects DHDDS function (PMID: 34382076). For these reasons, this variant has been classified as Pathogenic.

Institute of Human Genetics, University of Leipzig Medical Center
Classification: Pathogenic for Developmental delay and seizures with or without movement abnormalities. Last evaluated: 2023-11-28. Review status: criteria provided, single submitter. Criteria: ACMG Guidelines, 2015. Collection method: clinical testing. Allele origin: unknown. Inheritance: Autosomal dominant inheritance. Affected: yes.
Comment: Criteria applied: PS2,PS3,PS4_SUP,PM2_SUP,PP3

Literature cited by the submitters: PubMed 34382076 (cited by Labcorp Genetics (formerly Invitae), Labcorp).